The following is an entry in ClinVar:

NM_014946.4(SPAST):c.398T>G (p.Ile133Ser)

Gene: SPAST (spastin; plus strand). Cytogenetic location: 2p22.3.
Variant type: single nucleotide variant.
Coding change: c.398T>G on transcript NM_014946.4 (MANE Select); coding-DNA position 398, T replaced by G.
Protein change: p.Ile133Ser; replaces isoleucine 133 with serine.
Molecular consequence: missense variant.
Genome position (GRCh38, 1-based): chr2:32,064,229, T>G. VCF-style: chr2-32064229-T-G. GRCh37 (hg19) VCF-style: chr2-32289298-T-G.
Other names: c.398T>G, p.Ile133Ser (NM_001363823.2, NM_001363875.2, NM_001377959.1 and 1 more transcripts); short protein forms I133S.
Identifiers: ClinVar variation 5016777 (VCV005016777.1).

ClinVar aggregate classification (germline): Uncertain significance (1 of 4 stars; one submission).

Submission:

GeneDx
Classification: Uncertain significance. Last evaluated: 2026-03-31. Review status: criteria provided, single submitter. Criteria: GeneDx Variant Classification Process June 2021. Collection method: clinical testing. Allele origin: germline.
Comment: Not observed at significant frequency in large population cohorts (gnomAD); In silico analysis supports that this missense variant has a deleterious effect on protein structure/function; Has not been previously published as pathogenic or benign to our knowledge; This variant is associated with the following publications: (PMID: 21139634, 26094131)